The following is an entry in ClinVar:

ClinVar aggregate classification (germline): Likely benign. Review status: criteria provided, single submitter (1 of 4 stars). 2 submissions from 2 submitters: Likely benign (1). 1 of the submissions does not count toward it. Last evaluated 2017-12-08.

Conditions:
PIEZO1-related disorder. Also called: PIEZO1-Related Disorders; PIEZO1-related condition.

Allele frequency attached by ClinVar (database versions not stated): gnomAD exomes 0.00001 and 0.00005.
gnomAD v4.1: 13 of 1,549,824 alleles (0.00084%); highest among the groups gnomAD compares: Admixed American, 0.022%; no homozygotes.

Submissions (2):

Labcorp Genetics (formerly Invitae), Labcorp
Classification: Likely benign. Last evaluated: 2017-12-08. Review status: criteria provided, single submitter. Criteria: Invitae Variant Classification Sherloc (09022015). Collection method: clinical testing. Allele origin: germline.

PreventionGenetics, part of Exact Sciences
Classification: Likely benign for PIEZO1-related condition. Last evaluated: 2021-02-11. Review status: no assertion criteria provided. Collection method: clinical testing. Allele origin: germline. Not counted in ClinVar's aggregate classification.
Comment: This variant is classified as likely benign based on ACMG/AMP sequence variant interpretation guidelines (Richards et al. 2015 PMID: 25741868, with internal and published modifications).

NM_001142864.4(PIEZO1):c.3153C>T (p.Tyr1051=)

Genes: HSALR1 (HSP90AB1 associated lncRNA 1; plus strand), PIEZO1 (piezo type mechanosensitive ion channel component 1 (Er blood group); minus strand). Cytogenetic location: 16q24.3.
Variant type: single nucleotide variant.
Coding change: c.3153C>T on transcript NM_001142864.4 (MANE Select); coding-DNA position 3153, C replaced by T.
Protein change: p.Tyr1051=; no amino-acid change (tyrosine 1051 retained).
Molecular consequence: synonymous variant.
Genome position (GRCh38, 1-based): chr16:88,731,749, G>A on the plus strand (C>T on the coding strand, the complement: PIEZO1 is on the minus strand). VCF-style: chr16-88731749-G-A. GRCh37 (hg19) VCF-style: chr16-88798157-G-A.
Identifiers: ClinVar variation 734133 (VCV000734133.5), dbSNP rs1434132113, ClinGen allele CA497080029.
Genomic context (GRCh38, chr16:88,731,749, plus strand): 5'-AGCCACGTGCCCCTCACCAATGCACAGGGCCGGGGGCATCCCCAGGCACAGCAGGTACTG[G>A]TACAGCAGGAACAGCGCCAGGAAGAGGCAGTAGTTGGGCCAGAGGCGGGCAATGGCCTGG-3'
Protein context (NP_001136336.2, residues 1041-1061): YCLFLALFLL[Tyr1051=]QYLLCLGMPP